The following is an entry in ClinVar:

NM_020911.2(PLXNA4):c.3022A>G (p.Thr1008Ala)

Gene: PLXNA4 (plexin A4; minus strand). Cytogenetic location: 7q32.3.
Variant type: single nucleotide variant.
Coding change: c.3022A>G on transcript NM_020911.2 (MANE Select); coding-DNA position 3022, A replaced by G.
Protein change: p.Thr1008Ala; replaces threonine 1008 with alanine.
Molecular consequence: missense variant.
Genome position (GRCh38, 1-based): chr7:132,185,435, T>C on the plus strand (A>G on the coding strand, the complement: PLXNA4 is on the minus strand). VCF-style: chr7-132185435-T-C. GRCh37 (hg19) VCF-style: chr7-131870194-T-C.
Other names: c.3022A>G, p.Thr1008Ala (NM_001393897.1); short protein forms T1008A.
Identifiers: ClinVar variation 4997132 (VCV004997132.1).

ClinVar aggregate classification (germline): Uncertain significance (1 of 4 stars; one submission).

Conditions:
PLXNA4-related disorder. Also called: PLXNA4-related condition.

gnomAD v4.1: 2 of 1,613,740 alleles (0.00012%); highest among the groups gnomAD compares: Non-Finnish European, 0.00017%; no homozygotes.

Submission:

PreventionGenetics, part of Exact Sciences
Classification: Uncertain significance for PLXNA4-related condition. Last evaluated: 2025-02-09. Review status: criteria provided, single submitter. Criteria: ACMG Guidelines, 2015. Collection method: clinical testing. Allele origin: germline.
Comment: The PLXNA4 c.3022A>G variant is predicted to result in the amino acid substitution p.Thr1008Ala. To our knowledge, this variant has not been reported in the literature or in a large population database (gnomAD), indicating this variant is rare. At this time, the clinical significance of this variant is uncertain due to the absence of conclusive functional and genetic evidence.